The following is an entry in ClinVar:

ClinVar aggregate classification (germline): Pathogenic. Review status: reviewed by expert panel (3 of 4 stars). 28 submissions from 28 submitters: Pathogenic (1). 27 of the submissions do not count toward it. Last evaluated 2016-09-08.

Conditions:
BRCA2-related disorder. Also called: BRCA2-related condition; BRCA2-related disorders. Identifiers: MedGen CN239275.
Breast and/or ovarian cancer. Identifiers: MedGen CN221562.
Hereditary cancer-predisposing syndrome. Also called: Neoplastic Syndromes, Hereditary; Tumor predisposition; Hereditary Cancer Syndrome; Hereditary neoplastic syndrome. Identifiers: Orphanet 140162, MedGen C0027672, MeSH D009386, MONDO:0015356.
Hereditary breast ovarian cancer syndrome. Also called: Hereditary breast and ovarian cancer; Breast and ovarian cancer; Hereditary breast and/or ovarian cancer syndrome; Hereditary breast and ovarian cancer syndrome (HBOC); Hereditary breast and ovarian cancer syndrome; BRCA1- and BRCA2-Associated Hereditary Breast and Ovarian Cancer. Identifiers: Orphanet 145, MedGen C0677776, MeSH D061325, MONDO:0003582. Disease mechanism: loss of function.
Breast-ovarian cancer, familial, susceptibility to, 2 (BROVCA2). Also called: BRCA2 Hereditary Breast and Ovarian Cancer. Identifiers: Orphanet 145, MedGen C2675520, MONDO:0012933, OMIM 612555. Disease mechanism: loss of function.
Familial cancer of breast. Also called: BREAST CANCER, FAMILIAL; Hereditary breast cancer; hereditary breast carcinoma. Identifiers: Orphanet 227535, MedGen C0346153, MONDO:0016419, OMIM 114480. Disease mechanism: loss of function.

Submissions 1 to 12 of 28:

Evidence-based Network for the Interpretation of Germline Mutant Alleles (ENIGMA)
Classification: Pathogenic for Breast-ovarian cancer, familial, susceptibility to, 2. Last evaluated: 2016-09-08. Review status: reviewed by expert panel. Criteria: ENIGMA BRCA1/2 Classification Criteria (2015). Collection method: curation. Allele origin: germline.
Comment: Variant allele predicted to encode a truncated non-functional protein.

CeGaT Center for Human Genetics Tuebingen
Classification: Pathogenic. Last evaluated: 2026-06-01. Review status: criteria provided, single submitter. Criteria: CeGaT Center For Human Genetics Tuebingen Variant Classification Criteria Version 2. Collection method: clinical testing. Allele origin: germline. Affected: yes. Observed: 4 variant alleles. Not counted in ClinVar's aggregate classification.
Comment: BRCA2: PVS1, PS4, PM2

Labcorp Genetics (formerly Invitae), Labcorp
Classification: Pathogenic for Hereditary breast ovarian cancer syndrome. Last evaluated: 2026-01-10. Review status: criteria provided, single submitter. Criteria: Invitae Variant Classification Sherloc (09022015). Collection method: clinical testing. Allele origin: germline. Not counted in ClinVar's aggregate classification.
Comment: This sequence change creates a premature translational stop signal (p.Phe2638*) in the BRCA2 gene. It is expected to result in an absent or disrupted protein product. Loss-of-function variants in BRCA2 are known to be pathogenic (PMID: 20104584). This variant is not present in population databases (gnomAD no frequency). This premature translational stop signal has been observed in individual(s) with breast and ovarian cancer (PMID: 8988179, 15024741, 18489799, 22729890, 24528374). It has also been observed to segregate with disease in related individuals. This variant is also known as 8138del5. ClinVar contains an entry for this variant (Variation ID: 38126). For these reasons, this variant has been classified as Pathogenic.

Center for Genomic Medicine, Rigshospitalet, Copenhagen University Hospital
Classification: Pathogenic. Last evaluated: 2025-03-04. Review status: criteria provided, single submitter. Criteria: ACMG Guidelines, 2015. Collection method: clinical testing. Allele origin: germline. Not counted in ClinVar's aggregate classification.

Ambry Genetics
Classification: Pathogenic for Hereditary cancer-predisposing syndrome. Last evaluated: 2024-09-30. Review status: criteria provided, single submitter. Criteria: Ambry Variant Classification Scheme 2023. Collection method: clinical testing. Allele origin: germline. Not counted in ClinVar's aggregate classification.
Comment: The c.7913_7917delTTCCT pathogenic mutation (also known as p.F2638*), located in coding exon 16 of the BRCA2 gene, results from a deletion of five nucleotides between positions 7913 and 7917. This changes the amino acid from a phenylalanine to a stop codon within coding exon 16. This mutation has been identified in numerous families with breast and/or ovarian cancer (Gayther SA et al. Nat. Genet., 1997 Jan;15:103-5; Frank TS et al. J Clin Oncol, 1998 Jul;16:2417-25; Balabas A et al. Fam Cancer, 2010 Sep;9:267-74; Becker AA et al. Breast Cancer Res. Treat., 2012 Aug;135:167-75; Wojcik P et al. Hered Cancer Clin Pract, 2016 Feb;14:5; Cybulski C et al. Int J Cancer, 2019 12;145:3311-3320; ukomska A et al. Cancers (Basel), 2021 Feb;13; Dorling et al. N Engl J Med. 2021 02;384:428-439). This alteration was identified multiple times in a large, worldwide study of BRCA1/2 mutation positive families (Rebbeck TR et al. Hum Mutat, 2018 05;39:593-620). A Czech founder effect was recognized in one study (Machackova E et al. BMC Cancer 2008 May;8:140). Of note, this alteration is also designated as 8141del5 and 8138del5 in published literature. In addition to the clinical data presented in the literature, this alteration is expected to result in loss of function by premature protein truncation or nonsense-mediated mRNA decay. As such, this alteration is interpreted as a disease-causing mutation.

Department of Clinical Genetics, Copenhagen University Hospital, Rigshospitalet
Classification: Pathogenic for Breast-ovarian cancer, familial, susceptibility to, 2. Last evaluated: 2024-05-27. Review status: criteria provided, single submitter. Criteria: ACMG Guidelines, 2015. Collection method: clinical testing. Allele origin: germline. Affected: yes. Not counted in ClinVar's aggregate classification.
Comment: PVS1; PM2_supporting; PM5_PTC_Strong

GeneDx
Classification: Pathogenic. Last evaluated: 2024-04-07. Review status: criteria provided, single submitter. Criteria: GeneDx Variant Classification Process June 2021. Collection method: clinical testing. Allele origin: germline. Affected: yes. Not counted in ClinVar's aggregate classification.
Comment: Nonsense variant predicted to result in protein truncation or nonsense mediated decay in a gene for which loss-of-function is a known mechanism of disease; Reported in individuals with a personal and/or family history consistent with pathogenic variants in this gene (PMID: 9667259, 20383589, 22729890, 25452441, 26843898, 33471991); Truncating variants in this gene are considered pathogenic by a well-established clinical consortium and/or database; Not observed at significant frequency in large population cohorts (gnomAD); Also known as 8141_8145delTTCCT; 8138del5; c.7910_7914del5; This variant is associated with the following publications: (PMID: 25452441, 26843898, 25893891, 20104584, 9667259, 24156927, 8988179, 22729890, 18465347, 20383589, 29339979, 31173646, 31209999, 28888541, 31892343, 32629901, 31447099, 31723001, 15024741, 18489799, 24528374, 29446198, 34326862, 33670479, 33471991)

Baylor Genetics
Classification: Pathogenic for Familial cancer of breast. Last evaluated: 2024-03-20. Review status: criteria provided, single submitter. Criteria: ACMG Guidelines, 2015. Collection method: clinical testing. Allele origin: unknown. Not counted in ClinVar's aggregate classification.

All of Us Research Program, National Institutes of Health
Classification: Pathogenic for Breast-ovarian cancer, familial, susceptibility to, 2. Last evaluated: 2023-11-28. Review status: criteria provided, single submitter. Criteria: ACMG Guidelines, 2015. Collection method: clinical testing. Allele origin: germline. Inheritance: Autosomal dominant inheritance. Observed: 1 variant allele, 1 heterozygote. Not counted in ClinVar's aggregate classification.
Comment: This variant is predicted to result in loss of protein function through nonsense-mediated decay or protein truncation. Loss of function is an established mechanism of disease. This variant has been reported in multiple individuals with hereditary breast and ovarian cancer syndrome and is a known founder mutation (PMID: 20383589, 22729890, 22729890, 18489799, 23199084). This variant is absent from large population databases, including the Genome Aggregation Database.

This study involves interpretation of variants in research participants for the purpose of population health screening. Participant phenotype was not available at the time of variant classification. Additional details can be found in publication PMID: 35346344, PMCID: PMC8962531

Color Diagnostics, LLC DBA Color Health
Classification: Pathogenic for Hereditary cancer-predisposing syndrome. Last evaluated: 2023-08-16. Review status: criteria provided, single submitter. Criteria: ACMG Guidelines, 2015. Collection method: clinical testing. Allele origin: germline. Not counted in ClinVar's aggregate classification.
Comment: This variant deletes 5 nucleotides in exon 17 of the BRCA2 gene, creating a premature translation stop signal. This variant is expected to result in an absent or non-functional protein product. This variant is also known as 8141del5 in the literature. This variant has been reported in more than 10 individuals affected with breast or ovarian cancer (PMID: 20383589, 22729890, 24528374, 26843898, 31173646, 33471991, 33670479) and has been identified in 37 families among the CIMBA participants (PMID: 29446198). This variant has not been identified in the general population by the Genome Aggregation Database (gnomAD). Loss of BRCA2 function is a known mechanism of disease. Based on the available evidence, this variant is classified as Pathogenic.

Revvity Omics, Revvity
Classification: Pathogenic. Last evaluated: 2022-12-05. Review status: criteria provided, single submitter. Criteria: ACMG Guidelines, 2015. Collection method: clinical testing. Allele origin: germline. Not counted in ClinVar's aggregate classification.

Clinical Genetics Laboratory, Skane University Hospital Lund
Classification: Pathogenic. Last evaluated: 2022-07-01. Review status: criteria provided, single submitter. Criteria: ACMG Guidelines, 2015. Collection method: clinical testing. Allele origin: germline. Affected: yes. Not counted in ClinVar's aggregate classification.

NM_000059.4(BRCA2):c.7913_7917del (p.Ala2637_Phe2638insTer)

Gene: BRCA2 (BRCA2 DNA repair associated; plus strand). Cytogenetic location: 13q13.1.
Variant type: Deletion.
Coding change: c.7913_7917del on transcript NM_000059.4 (MANE Select); coding-DNA positions 7913 to 7917, 5 bases deleted (TTCCT; older notation c.7913_7917delTTCCT).
Protein change: p.Ala2637_Phe2638insTer.
Molecular consequence: nonsense.
Genome position (GRCh38, 1-based): chr13:32,362,630-32,362,634, TTCCT deleted; deleting any 5 consecutive bases within chr13:32,362,627-32,362,634 gives the same sequence; the c. name uses the placement nearest the transcript's 3' end. VCF-style (leftmost placement, unchanged base first): chr13-32362626-GCCTTT-G. GRCh37 (hg19) VCF-style: chr13-32936763-GCCTTT-G.
Other names: 8138del5; 8141del5; c.7910_7914del (NM_000059.3); c.7913_7917delTTCCT (NM_000059.3).
Identifiers: ClinVar variation 38126 (VCV000038126.100), dbSNP rs80359686, ClinGen allele CA025328.